The following is an entry in ClinVar:

NM_170707.4(LMNA):c.679del (p.Val227fs)

Gene: LMNA (lamin A/C; plus strand). Cytogenetic location: 1q22.
Variant type: Deletion.
Coding change: c.679del on transcript NM_170707.4 (MANE Select); coding-DNA position 679, one base deleted (G; older notation c.679delG).
Protein change: p.Val227fs; shifts the reading frame from valine 227.
Molecular consequence: frameshift variant.
Genome position (GRCh38, 1-based): chr1:156,134,844, G deleted; the last of 2 consecutive G bases (chr1:156,134,843-156,134,844); deleting either gives the same sequence. VCF-style (leftmost placement, unchanged base first): chr1-156134842-TG-T. GRCh37 (hg19) VCF-style: chr1-156104633-TG-T.
Other names: c.343del, p.Val115fs (NM_001257374.3, NM_001406989.1, NM_001406998.1); c.436del, p.Val146fs (NM_001282624.2, NM_001406986.1, NM_001406987.1); c.679del, p.Val227fs (NM_001282625.2, NM_001282626.2, NM_001406983.1 and 6 more transcripts); c.382del, p.Val128fs (NM_001406988.1); c.121del, p.Val41fs (NM_001406990.1, NM_001406993.1, NM_001406995.1 and 4 more transcripts); c.15del, p.Trp5fs (NM_001406994.1, NM_001406999.1, NM_001407000.1 and 1 more transcripts); short protein forms V146fs, V115fs, V227fs, V128fs, W5fs, V41fs.
Identifiers: ClinVar variation 2587215 (VCV002587215.2), dbSNP rs2527972658, ClinGen allele CA2582342424.

ClinVar aggregate classification (germline): Pathogenic (1 of 4 stars; one submission).

Conditions:
Cardiovascular phenotype. Identifiers: MedGen CN230736.

Submission:

Ambry Genetics
Classification: Pathogenic for Cardiovascular phenotype. Last evaluated: 2023-07-31. Review status: criteria provided, single submitter. Criteria: Ambry Variant Classification Scheme 2023. Collection method: clinical testing. Allele origin: germline.
Comment: The c.679delG pathogenic mutation, located in coding exon 4 of the LMNA gene, results from a deletion of one nucleotide at nucleotide position 679, causing a translational frameshift with a predicted alternate stop codon (p.V227Wfs*253). This variant is considered to be rare based on population cohorts in the Genome Aggregation Database (gnomAD). This alteration is expected to result in loss of function by premature protein truncation or nonsense-mediated mRNA decay. As such, this alteration is interpreted as a disease-causing mutation.